The following is an entry in ClinVar:

ClinVar aggregate classification (germline): Conflicting classifications of pathogenicity. Review status: criteria provided, conflicting classifications (1 of 4 stars). 2 submissions from 2 submitters: Uncertain significance (1); Likely benign (1). Last evaluated 2024-04-25.

Conditions:
Inborn genetic diseases. Identifiers: MedGen C0950123, MeSH D030342.

gnomAD v4.1: 4 of 1,613,802 alleles (0.00025%); highest among the groups gnomAD compares: African/African-American, 0.0013%; no homozygotes.

Submissions (2):

Labcorp Genetics (formerly Invitae), Labcorp
Classification: Uncertain significance. Last evaluated: 2024-04-25. Review status: criteria provided, single submitter. Criteria: Invitae Variant Classification Sherloc (09022015). Collection method: clinical testing. Allele origin: germline.
Comment: This sequence change replaces serine, which is neutral and polar, with leucine, which is neutral and non-polar, at codon 876 of the ENPP1 protein (p.Ser876Leu). This variant is present in population databases (rs764466020, gnomAD 0.007%). This variant has not been reported in the literature in individuals affected with ENPP1-related conditions. Advanced modeling of protein sequence and biophysical properties (such as structural, functional, and spatial information, amino acid conservation, physicochemical variation, residue mobility, and thermodynamic stability) performed at Invitae indicates that this missense variant is not expected to disrupt ENPP1 protein function with a negative predictive value of 80%. In summary, the available evidence is currently insufficient to determine the role of this variant in disease. Therefore, it has been classified as a Variant of Uncertain Significance.

Ambry Genetics
Classification: Likely benign for Inborn genetic diseases. Last evaluated: 2024-03-19. Review status: criteria provided, single submitter. Criteria: Ambry Variant Classification Scheme 2023. Collection method: clinical testing. Allele origin: germline.

NM_006208.3(ENPP1):c.2627C>T (p.Ser876Leu)

Gene: ENPP1 (ectonucleotide pyrophosphatase/phosphodiesterase 1; plus strand). Cytogenetic location: 6q23.2.
Variant type: single nucleotide variant.
Coding change: c.2627C>T on transcript NM_006208.3 (MANE Select); coding-DNA position 2627, C replaced by T.
Protein change: p.Ser876Leu; replaces serine 876 with leucine.
Molecular consequence: missense variant.
Genome position (GRCh38, 1-based): chr6:131,890,360, C>T. VCF-style: chr6-131890360-C-T. GRCh37 (hg19) VCF-style: chr6-132211500-C-T.
Other names: short protein forms S876L.
Identifiers: ClinVar variation 3275472 (VCV003275472.3).